The following is an entry in ClinVar:

ClinVar aggregate classification (germline): Uncertain significance. Review status: criteria provided, multiple submitters, no conflicts (2 of 4 stars). 2 submissions from 2 submitters: Uncertain significance (2). Last evaluated 2022-10-13.

Conditions:
Familial hypocalciuric hypercalcemia (FHH). Also called: Familial benign hypercalcemia. Identifiers: Orphanet 405, MedGen C1809471, MONDO:0018458.
Autosomal dominant hypocalcemia 1 (HYPOC1). Also called: HYPOCALCEMIA, FAMILIAL. Identifiers: MedGen C3715128, MONDO:0011013, OMIM 601198.
Nephrolithiasis/nephrocalcinosis. Identifiers: MedGen CN580796.

Allele frequency attached by ClinVar (database versions not stated): TOPMed 0.00001.
gnomAD v4.1: 1 of 1,614,018 alleles (0.000062%); highest among the groups gnomAD compares: African/African-American, 0.0013%; no homozygotes.

Submissions (2):

Labcorp Genetics (formerly Invitae), Labcorp
Classification: Uncertain significance for Familial hypocalciuric hypercalcemia; Autosomal dominant hypocalcemia 1. Last evaluated: 2022-10-13. Review status: criteria provided, single submitter. Criteria: Invitae Variant Classification Sherloc (09022015). Collection method: clinical testing. Allele origin: germline.
Comment: This variant is not present in population databases (gnomAD no frequency). This sequence change replaces arginine, which is basic and polar, with leucine, which is neutral and non-polar, at codon 25 of the CASR protein (p.Arg25Leu). This variant has not been reported in the literature in individuals affected with CASR-related conditions. ClinVar contains an entry for this variant (Variation ID: 1394090). Algorithms developed to predict the effect of missense changes on protein structure and function (SIFT, PolyPhen-2, Align-GVGD) all suggest that this variant is likely to be disruptive. In summary, the available evidence is currently insufficient to determine the role of this variant in disease. Therefore, it has been classified as a Variant of Uncertain Significance.

Ambry Genetics
Classification: Uncertain significance for Nephrolithiasis/nephrocalcinosis. Last evaluated: 2021-11-27. Review status: criteria provided, single submitter. Criteria: Ambry Variant Classification Scheme 2023. Collection method: clinical testing. Allele origin: germline.
Comment: The p.R25L variant (also known as c.74G>T), located in coding exon 1 of the CASR gene, results from a G to T substitution at nucleotide position 74. The arginine at codon 25 is replaced by leucine, an amino acid with dissimilar properties. This amino acid position is conserved. In addition, this alteration is predicted to be deleterious by in silico analysis. Since supporting evidence is limited at this time, the clinical significance of this alteration remains unclear.

NM_000388.4(CASR):c.74G>T (p.Arg25Leu)

Gene: CASR (calcium sensing receptor; plus strand). Cytogenetic location: 3q21.1.
Variant type: single nucleotide variant.
Coding change: c.74G>T on transcript NM_000388.4 (MANE Select); coding-DNA position 74, G replaced by T.
Protein change: p.Arg25Leu; replaces arginine 25 with leucine.
Molecular consequence: missense variant.
Genome position (GRCh38, 1-based): chr3:122,254,263, G>T. VCF-style: chr3-122254263-G-T. GRCh37 (hg19) VCF-style: chr3-121973110-G-T.
Other names: c.74G>T, p.Arg25Leu (NM_001178065.2); short protein forms R25L.
Identifiers: ClinVar variation 1394090 (VCV001394090.10), dbSNP rs568902441, ClinGen allele CA82607490.
Genomic context (GRCh38, chr3:122,254,263, plus strand): 5'-GCTGCTGCTGGGTCCTCTTGGCACTCACCTGGCACACCTCTGCCTACGGGCCAGACCAGC[G>T]AGCCCAAAAGAAGGGGGACATTATCCTTGGGGGGCTCTTTCCTATTCATTTTGGAGTAGC-3'
Protein context (NP_000379.3, residues 15-35): WHTSAYGPDQ[Arg25Leu]AQKKGDIILG